The following is an entry in ClinVar:

ClinVar aggregate classification (germline): Uncertain significance (1 of 4 stars; one submission).

Conditions:
Episodic kinesigenic dyskinesia (EKD). Also called: Paroxysmal kinesigenic dyskinesia. Identifiers: Orphanet 98809, MedGen C1868682, MONDO:0044202.

Allele frequency attached by ClinVar (database versions not stated): gnomAD exomes below 0.00001.
gnomAD v4.1: 3 of 1,607,342 alleles (0.00019%); highest among the groups gnomAD compares: Non-Finnish European, 0.00025%; no homozygotes.

Submission:

Labcorp Genetics (formerly Invitae), Labcorp
Classification: Uncertain significance for Episodic kinesigenic dyskinesia. Last evaluated: 2023-05-22. Review status: criteria provided, single submitter. Criteria: Invitae Variant Classification Sherloc (09022015). Collection method: clinical testing. Allele origin: germline.
Comment: In summary, the available evidence is currently insufficient to determine the role of this variant in disease. Therefore, it has been classified as a Variant of Uncertain Significance. Advanced modeling of protein sequence and biophysical properties (such as structural, functional, and spatial information, amino acid conservation, physicochemical variation, residue mobility, and thermodynamic stability) performed at Invitae indicates that this missense variant is not expected to disrupt PRRT2 protein function. ClinVar contains an entry for this variant (Variation ID: 1444959). This variant has not been reported in the literature in individuals affected with PRRT2-related conditions. This variant is not present in population databases (gnomAD no frequency). This sequence change replaces valine, which is neutral and non-polar, with isoleucine, which is neutral and non-polar, at codon 325 of the PRRT2 protein (p.Val325Ile).

NM_145239.3(PRRT2):c.973G>A (p.Val325Ile)

Genes: MVP-DT (MVP divergent transcript; minus strand), PRRT2 (proline rich transmembrane protein 2; plus strand). Cytogenetic location: 16p11.2.
Variant type: single nucleotide variant.
Coding change: c.973G>A on transcript NM_145239.3 (MANE Select); coding-DNA position 973, G replaced by A.
Protein change: p.Val325Ile; replaces valine 325 with isoleucine.
Molecular consequence: missense variant. On other transcripts: 3 prime UTR variant (1).
Genome position (GRCh38, 1-based): chr16:29,814,426, G>A. VCF-style: chr16-29814426-G-A. GRCh37 (hg19) VCF-style: chr16-29825747-G-A.
Other names: c.973G>A, p.Val325Ile (NM_001256442.2); c.*472G>A (NM_001256443.2); short protein forms V325I.
Identifiers: ClinVar variation 1444959 (VCV001444959.6), dbSNP rs2142429422, ClinGen allele CA395480745.